The following is an entry in ClinVar:

ClinVar aggregate classification (germline): Uncertain significance. Review status: criteria provided, multiple submitters, no conflicts (2 of 4 stars). 7 submissions from 6 submitters: Uncertain significance (6). 1 of the submissions does not count toward it. Last evaluated 2022-04-18.

Conditions:
Warburg micro syndrome 2 (WARBM2). Also called: MICRO SYNDROME 2. Identifiers: Orphanet 2510, MedGen C3280214, MONDO:0013641, OMIM 614225.
Amenorrhea. Identifiers: MedGen C0002453, MONDO:0001836, HP:0000141.
Martsolf syndrome 1. Identifiers: Orphanet 1387, MedGen C5542298, MONDO:8000008, OMIM 212720.
Martsolf syndrome (MARTS). Also called: Congenital cataract with intellectual disability and hypogonadotropic hypogonadism syndrome. Identifiers: Orphanet 1387, MedGen C0796037, MONDO:0023910.

Allele frequency attached by ClinVar (database versions not stated): ExAC 0.00022; ESP Exome Variant Server 0.00023; TOPMed 0.00025; gnomAD 0.00033 and 0.00036; 1000 Genomes Project 30x 0.00078; 1000 Genomes Project 0.00080.
gnomAD v4.1: 625 of 1,613,908 alleles (0.039%); highest among the groups gnomAD compares: Non-Finnish European, 0.048%; no homozygotes.

Submissions (7):

Labcorp Genetics (formerly Invitae), Labcorp
Classification: Uncertain significance for Martsolf syndrome; Warburg micro syndrome 2. Last evaluated: 2022-04-18. Review status: criteria provided, single submitter. Criteria: Invitae Variant Classification Sherloc (09022015). Collection method: clinical testing. Allele origin: germline.
Comment: This sequence change replaces arginine, which is basic and polar, with cysteine, which is neutral and slightly polar, at codon 420 of the RAB3GAP2 protein (p.Arg420Cys). This variant is present in population databases (rs188522997, gnomAD 0.05%). This variant has not been reported in the literature in individuals affected with RAB3GAP2-related conditions. ClinVar contains an entry for this variant (Variation ID: 463026). Algorithms developed to predict the effect of missense changes on protein structure and function are either unavailable or do not agree on the potential impact of this missense change (SIFT: "Deleterious"; PolyPhen-2: "Probably Damaging"; Align-GVGD: "Class C0"). In summary, the available evidence is currently insufficient to determine the role of this variant in disease. Therefore, it has been classified as a Variant of Uncertain Significance.

Department of Pathology and Laboratory Medicine, Sinai Health System
Classification: Uncertain significance for Martsolf syndrome 1; Warburg micro syndrome 2. Last evaluated: 2022-01-15. Review status: criteria provided, single submitter. Criteria: ACMG Guidelines, 2015. Collection method: research. Allele origin: germline.

Fulgent Genetics
Classification: Uncertain significance for Martsolf syndrome 1; Warburg micro syndrome 2. Last evaluated: 2018-10-31. Review status: criteria provided, single submitter. Criteria: ACMG Guidelines, 2015. Collection method: clinical testing. Allele origin: unknown.

Illumina Laboratory Services, Illumina
Classification: Uncertain significance for Warburg micro syndrome 2. Last evaluated: 2018-01-12. Review status: criteria provided, single submitter. Criteria: ICSL Variant Classification Criteria 13 December 2019. Collection method: clinical testing. Allele origin: germline.

Illumina Laboratory Services, Illumina
Classification: Uncertain significance for Martsolf syndrome 1. Last evaluated: 2018-01-12. Review status: criteria provided, single submitter. Criteria: ICSL Variant Classification Criteria 13 December 2019. Collection method: clinical testing. Allele origin: germline.

Breakthrough Genomics
Classification: Uncertain significance. Review status: criteria provided, single submitter. Criteria: ACMG Guidelines, 2015. Collection method: not provided. Allele origin: germline. Inheritance: Autosomal recessive inheritance. Affected: yes.

Yale Center for Mendelian Genomics, Yale University
Classification: Uncertain significance for Amenorrhea. Last evaluated: 2021-03-08. Review status: no assertion criteria provided. Collection method: literature only. Allele origin: unknown. Affected: yes. Observed: 1 heterozygote. Study: Yale Center for Mendelian Genomics. Not counted in ClinVar's aggregate classification.

Literature cited by the submitters: PubMed 32870266 (cited by Yale Center for Mendelian Genomics, Yale University).

NM_012414.4(RAB3GAP2):c.1258C>T (p.Arg420Cys)

Gene: RAB3GAP2 (RAB3 GTPase activating non-catalytic protein subunit 2; minus strand). Cytogenetic location: 1q41.
Variant type: single nucleotide variant.
Coding change: c.1258C>T on transcript NM_012414.4 (MANE Select); coding-DNA position 1258, C replaced by T.
Protein change: p.Arg420Cys; replaces arginine 420 with cysteine.
Molecular consequence: missense variant.
Genome position (GRCh38, 1-based): chr1:220,193,252, G>A on the plus strand (C>T on the coding strand, the complement: RAB3GAP2 is on the minus strand). VCF-style: chr1-220193252-G-A. GRCh37 (hg19) VCF-style: chr1-220366594-G-A.
Other names: short protein forms R420C.
Identifiers: ClinVar variation 463026 (VCV000463026.12), dbSNP rs188522997, ClinGen allele CA1402737.